The following is an entry in ClinVar:

ClinVar aggregate classification (germline): Conflicting classifications of pathogenicity. Review status: criteria provided, conflicting classifications (1 of 4 stars). 4 submissions from 3 submitters: Uncertain significance (2); Likely benign (1). 1 of the submissions does not count toward it. Last evaluated 2025-07-06.

Conditions:
Autosomal recessive nonsyndromic hearing loss 31. Also called: WHIRLER, MOUSE, HOMOLOG OF. Identifiers: Orphanet 90636, MedGen C1846839, MONDO:0011767, OMIM 607084.
Usher syndrome type 2D. Also called: USHER SYNDROME, TYPE IID. Identifiers: Orphanet 231178, Orphanet 886, MedGen C1568249, MONDO:0012662, OMIM 611383.
WHRN-related disorder. Also called: WHRN-related condition.

Allele frequency attached by ClinVar (database versions not stated): gnomAD below 0.00001 and 0.00001; ExAC 0.00001; gnomAD exomes 0.00001 and 0.00004.

Submissions (4):

Labcorp Genetics (formerly Invitae), Labcorp
Classification: Likely benign. Last evaluated: 2025-07-06. Review status: criteria provided, single submitter. Criteria: Invitae Variant Classification Sherloc (09022015). Collection method: clinical testing. Allele origin: germline.

Illumina Laboratory Services, Illumina
Classification: Uncertain significance for Autosomal recessive nonsyndromic hearing loss 31. Last evaluated: 2018-01-13. Review status: criteria provided, single submitter. Criteria: ICSL Variant Classification Criteria 13 December 2019. Collection method: clinical testing. Allele origin: germline.

Illumina Laboratory Services, Illumina
Classification: Uncertain significance for Usher syndrome type 2D. Last evaluated: 2018-01-13. Review status: criteria provided, single submitter. Criteria: ICSL Variant Classification Criteria 13 December 2019. Collection method: clinical testing. Allele origin: germline.

PreventionGenetics, part of Exact Sciences
Classification: Likely benign for WHRN-related condition. Last evaluated: 2019-06-27. Review status: no assertion criteria provided. Collection method: clinical testing. Allele origin: germline. Not counted in ClinVar's aggregate classification.
Comment: This variant is classified as likely benign based on ACMG/AMP sequence variant interpretation guidelines (Richards et al. 2015 PMID: 25741868, with internal and published modifications).

NM_015404.4(WHRN):c.2130C>A (p.Gly710=)

Gene: WHRN (whirlin; minus strand). Cytogenetic location: 9q32.
Variant type: single nucleotide variant.
Coding change: c.2130C>A on transcript NM_015404.4 (MANE Select); coding-DNA position 2130, C replaced by A.
Protein change: p.Gly710=; no amino-acid change (glycine 710 retained).
Molecular consequence: synonymous variant.
Genome position (GRCh38, 1-based): chr9:114,406,461, G>T on the plus strand (C>A on the coding strand, the complement: WHRN is on the minus strand). VCF-style: chr9-114406461-G-T. GRCh37 (hg19) VCF-style: chr9-117168741-G-T.
Other names: c.981C>A, p.Gly327= (NM_001083885.3); c.2130C>A, p.Gly710= (NM_001173425.2); c.1077C>A, p.Gly359= (NM_001346890.1).
Identifiers: ClinVar variation 364684 (VCV000364684.8), dbSNP rs781674400, ClinGen allele CA5205731.